The following is an entry in ClinVar:

NM_144585.4(SLC22A12):c.723C>G (p.Phe241Leu)

Gene: SLC22A12 (solute carrier family 22 member 12; plus strand). Cytogenetic location: 11q13.1.
Variant type: single nucleotide variant.
Coding change: c.723C>G on transcript NM_144585.4 (MANE Select); coding-DNA position 723, C replaced by G.
Protein change: p.Phe241Leu; replaces phenylalanine 241 with leucine.
Molecular consequence: missense variant. On other transcripts: intron variant (1).
Genome position (GRCh38, 1-based): chr11:64,593,696, C>G. VCF-style: chr11-64593696-C-G. GRCh37 (hg19) VCF-style: chr11-64361168-C-G.
Other names: c.621C>G, p.Phe207Leu (NM_001276326.2); c.60C>G, p.Phe20Leu (NM_153378.3); c.506+814C>G (NM_001276327.2); short protein forms F207L, F20L, F241L.
Identifiers: ClinVar variation 1913993 (VCV001913993.5), dbSNP rs2495493254, ClinGen allele CA381121445.

ClinVar aggregate classification (germline): Uncertain significance (1 of 4 stars; one submission).

gnomAD v4.1: 1 of 1,614,144 alleles (0.000062%); no homozygotes.

Submission:

Labcorp Genetics (formerly Invitae), Labcorp
Classification: Uncertain significance. Last evaluated: 2022-05-10. Review status: criteria provided, single submitter. Criteria: Invitae Variant Classification Sherloc (09022015). Collection method: clinical testing. Allele origin: germline.
Comment: This sequence change replaces phenylalanine, which is neutral and non-polar, with leucine, which is neutral and non-polar, at codon 241 of the SLC22A12 protein (p.Phe241Leu). This variant is not present in population databases (gnomAD no frequency). This variant has not been reported in the literature in individuals affected with SLC22A12-related conditions. Algorithms developed to predict the effect of missense changes on protein structure and function are either unavailable or do not agree on the potential impact of this missense change (SIFT: "Tolerated"; PolyPhen-2: "Possibly Damaging"; Align-GVGD: "Class C0"). In summary, the available evidence is currently insufficient to determine the role of this variant in disease. Therefore, it has been classified as a Variant of Uncertain Significance.